The following is an entry in ClinVar:

NM_006147.4(IRF6):c.101A>C (p.Lys34Thr)

Gene: IRF6 (interferon regulatory factor 6; minus strand). Cytogenetic location: 1q32.2.
Variant type: single nucleotide variant.
Coding change: c.101A>C on transcript NM_006147.4 (MANE Select); coding-DNA position 101, A replaced by C.
Protein change: p.Lys34Thr; replaces lysine 34 with threonine.
Molecular consequence: missense variant. On other transcripts: intron variant (1).
Genome position (GRCh38, 1-based): chr1:209,801,313, T>G on the plus strand (A>C on the coding strand, the complement: IRF6 is on the minus strand). VCF-style: chr1-209801313-T-G. GRCh37 (hg19) VCF-style: chr1-209974658-T-G.
Other names: c.-112+4634A>C (NM_001206696.2); short protein forms K34T.
Identifiers: ClinVar variation 4850529 (VCV004850529.1).

ClinVar aggregate classification (germline): Likely pathogenic (1 of 4 stars; one submission).

Conditions:
Van der Woude syndrome. Identifiers: Orphanet 888, MedGen C0175697, MONDO:0019508.

Submission:

Genetics Laboratory, Great Ormond Street Hospital NHS Foundation Trust, North Thames Genomic Laboratory Hub
Classification: Likely pathogenic for Van der Woude syndrome. Last evaluated: 2026-03-13. Review status: criteria provided, single submitter. Criteria: ACGS Best Practice Guidelines for Variant Classification in Rare Disease 2024 v1.2. Collection method: clinical testing. Allele origin: germline. Affected: yes.
Comment: PS4_moderate, PM2_moderate, PP3_supporting, PM5_supporting, PS3_supporting, PM1_supporting